The following is an entry in ClinVar:

NM_004281.4(BAG3):c.901_902del (p.Arg301fs)

Gene: BAG3 (BAG cochaperone 3; plus strand). Cytogenetic location: 10q26.11.
Variant type: Deletion.
Coding change: c.901_902del on transcript NM_004281.4 (MANE Select); coding-DNA positions 901 to 902, 2 bases deleted (AG; older notation c.901_902delAG).
Protein change: p.Arg301fs; shifts the reading frame from arginine 301.
Molecular consequence: frameshift variant.
Genome position (GRCh38, 1-based): chr10:119,672,648-119,672,649, AG deleted. VCF-style (leftmost placement, unchanged base first): chr10-119672647-CAG-C. GRCh37 (hg19) VCF-style: chr10-121432159-CAG-C.
Other names: short protein forms R301fs.
Identifiers: ClinVar variation 1805453 (VCV001805453.1), dbSNP rs2494014941, ClinGen allele CA923726207.

ClinVar aggregate classification (germline): Likely pathogenic (1 of 4 stars; one submission).

Conditions:
Dilated cardiomyopathy 1HH (CMD1HH). Identifiers: Orphanet 154, MedGen C3151293, MONDO:0013479, OMIM 613881.

Submission:

Victorian Clinical Genetics Services, Murdoch Childrens Research Institute
Classification: Likely pathogenic for Dilated cardiomyopathy 1HH. Last evaluated: 2022-02-02. Review status: criteria provided, single submitter. Criteria: ACMG Guidelines, 2015. Collection method: clinical testing. Allele origin: germline. Inheritance: Autosomal dominant inheritance.
Comment: Based on the classification scheme VCGS_Germline_v1.3.4, this variant is classified as Likely pathogenic. Following criteria are met: 0102 - Loss of function is a known mechanism of disease in this gene and is associated with dilated cardiomyopathy 1HH (MIM#613881) and myofibrillar myopathy 6 (MIM#612954). (I) 0107 - This gene is associated with autosomal dominant disease. (I) 0204 - Variant is predicted to result in a truncated protein (premature termination codon is NOT located at least 54 nucleotides upstream of the final exon-exon junction) with at least 1/3 of the protein sequence affected. (SP) 0251 - This variant is heterozygous. (I) 0301 - Variant is absent from gnomAD (both v2 and v3). (SP) 0600 - Variant results in the loss of the annotated C-terminal BAG domain (NCBI, UniProt). (I) 0701 - Other truncating variants comparable to the one identified in this case have very strong previous evidence for pathogenicity. These variants have been reported in individuals with dilated cardiomyopathy (ClinVar, PMID: 30442290). (SP) 0807 - This variant has no previous evidence of pathogenicity. (I) 0905 - No published segregation evidence has been identified for this variant. (I) 1007 - No published functional evidence has been identified for this variant. (I) 1208 - Inheritance information for this variant is not currently available in this individual. (I) Legend: (SP) - Supporting pathogenic, (I) - Information, (SB) - Supporting benign

Literature cited by the submitters: PubMed 30442290.